The following is an entry in ClinVar:

NM_000342.4(SLC4A1):c.1179C>A (p.Tyr393Ter)

Gene: SLC4A1 (solute carrier family 4 member 1 (Diego blood group); minus strand). Cytogenetic location: 17q21.31.
Variant type: single nucleotide variant.
Coding change: c.1179C>A on transcript NM_000342.4 (MANE Select); coding-DNA position 1179, C replaced by A.
Protein change: p.Tyr393Ter; replaces tyrosine 393 with a stop codon.
Molecular consequence: nonsense.
Genome position (GRCh38, 1-based): chr17:44,258,089, G>T on the plus strand (C>A on the coding strand, the complement: SLC4A1 is on the minus strand). VCF-style: chr17-44258089-G-T. GRCh37 (hg19) VCF-style: chr17-42335457-G-T.
Other names: short protein forms Y393*.
Identifiers: ClinVar variation 4739111 (VCV004739111.1).
Genomic context (GRCh38, chr17:44,258,089, plus strand): 5'-GTAGATGAAGATGACGGCAGCCAGGACCTGGGGGCTGAATGCATCTGTGATGTCACTCAG[G>T]TAATAGGGGTAGCGGCGCCGGATATCACGCACCAGGCCCCCGAAGAGCTGGCCTGTCTGC-3'

ClinVar aggregate classification (germline): Pathogenic (1 of 4 stars; one submission).

Submission:

Labcorp Genetics (formerly Invitae), Labcorp
Classification: Pathogenic. Last evaluated: 2025-09-15. Review status: criteria provided, single submitter. Criteria: Invitae Variant Classification Sherloc (09022015). Collection method: clinical testing. Allele origin: germline.
Comment: This sequence change creates a premature translational stop signal (p.Tyr393*) in the SLC4A1 gene. It is expected to result in an absent or disrupted protein product. Loss-of-function variants in SLC4A1 are known to be pathogenic (PMID: 8943874, 10926824, 23255290). This variant is not present in population databases (gnomAD no frequency). This premature translational stop signal has been observed in individual(s) with hereditary spherocytosis (PMID: 30486584). For these reasons, this variant has been classified as Pathogenic.

Literature cited by the submitters: PubMed 8943874; PubMed 10926824; PubMed 23255290; PubMed 30486584.